The following is an entry in ClinVar:

NM_000051.4(ATM):c.1484T>G (p.Ile495Arg)

Gene: ATM (ATM serine/threonine kinase; plus strand). Cytogenetic location: 11q22.3.
Variant type: single nucleotide variant.
Coding change: c.1484T>G on transcript NM_000051.4 (MANE Select); coding-DNA position 1484, T replaced by G.
Protein change: p.Ile495Arg; replaces isoleucine 495 with arginine.
Molecular consequence: missense variant.
Genome position (GRCh38, 1-based): chr11:108,250,949, T>G. VCF-style: chr11-108250949-T-G. GRCh37 (hg19) VCF-style: chr11-108121676-T-G.
Other names: c.1484T>G, p.Ile495Arg (NM_001351834.2); short protein forms I495R.
Identifiers: ClinVar variation 1721601 (VCV001721601.6), dbSNP rs2497248551, ClinGen allele CA382534194.
Genomic context (GRCh38, chr11:108,250,949, plus strand): 5'-CACAAAAGTCAGATTTATTAAAACTCTGGAATAAAATTTGGTGTATTACCTTTCGTGGTA[T>G]AAGTTCTGAGCAAATACAAGCTGAAAACTTTGGCTTACTTGGAGCCATAATTCAGGGTAG-3'
Protein context (NP_000042.3, residues 485-505): NKIWCITFRG[Ile495Arg]SSEQIQAENF

ClinVar aggregate classification (germline): Uncertain significance. Review status: criteria provided, multiple submitters, no conflicts (2 of 4 stars). 2 submissions from 2 submitters: Uncertain significance (2). Last evaluated 2026-03-31.

Conditions:
Hereditary cancer-predisposing syndrome. Also called: Hereditary Cancer Syndrome; Neoplastic Syndromes, Hereditary; Hereditary neoplastic syndrome; Tumor predisposition. Identifiers: Orphanet 140162, MedGen C0027672, MeSH D009386, MONDO:0015356.
Ataxia-telangiectasia syndrome (AT). Also called: LOUIS-BAR SYNDROME; Ataxia-telangiectasia, complementation group E; Ataxia telangiectasia (A-T); Cerebello-oculocutaneous telangiectasia; Immunodeficiency with ataxia telangiectasia; Ataxia-telangiectasia, complementation group D. Identifiers: Orphanet 100, MedGen C0004135, MONDO:0008840, OMIM 208900.

gnomAD v4.1: 5 of 1,614,230 alleles (0.00031%); highest among the groups gnomAD compares: Non-Finnish European, 0.00042%; no homozygotes.

Submissions (2):

Ambry Genetics
Classification: Uncertain significance for Hereditary cancer-predisposing syndrome. Last evaluated: 2026-03-31. Review status: criteria provided, single submitter. Criteria: Ambry Variant Classification Scheme 2023. Collection method: clinical testing. Allele origin: germline.
Comment: The p.I495R variant (also known as c.1484T>G), located in coding exon 9 of the ATM gene, results from a T to G substitution at nucleotide position 1484. The isoleucine at codon 495 is replaced by arginine, an amino acid with similar properties. In an assay testing ATM function, this variant showed a functionally normal result (Lee KS et al. Cell, 2025 Sep;188:5081-5099.e27). This amino acid position is well conserved in available vertebrate species. In addition, the in silico prediction for this alteration is inconclusive. Based on the available evidence, the clinical significance of this variant remains unclear.

Labcorp Genetics (formerly Invitae), Labcorp
Classification: Uncertain significance for Ataxia-telangiectasia syndrome. Last evaluated: 2026-01-20. Review status: criteria provided, single submitter. Criteria: Invitae Variant Classification Sherloc (09022015). Collection method: clinical testing. Allele origin: germline.
Comment: This sequence change replaces isoleucine, which is neutral and non-polar, with arginine, which is basic and polar, at codon 495 of the ATM protein (p.Ile495Arg). This variant is not present in population databases (gnomAD no frequency). This variant has not been reported in the literature in individuals affected with ATM-related conditions. ClinVar contains an entry for this variant (Variation ID: 1721601). Invitae Evidence Modeling of protein sequence and biophysical properties (such as structural, functional, and spatial information, amino acid conservation, physicochemical variation, residue mobility, and thermodynamic stability) indicates that this missense variant is not expected to disrupt ATM protein function with a negative predictive value of 95%. In summary, the available evidence is currently insufficient to determine the role of this variant in disease. Therefore, it has been classified as a Variant of Uncertain Significance.

Literature cited by the submitters: PubMed 40580951 (cited by Ambry Genetics).